The following is an entry in ClinVar:

NM_201384.3(PLEC):c.9327C>T (p.Tyr3109=)

Gene: PLEC (plectin; minus strand). Cytogenetic location: 8q24.3.
Variant type: single nucleotide variant.
Coding change: c.9327C>T on transcript NM_201384.3 (MANE Select); coding-DNA position 9327, C replaced by T.
Protein change: p.Tyr3109=; no amino-acid change (tyrosine 3109 retained).
Molecular consequence: synonymous variant.
Genome position (GRCh38, 1-based): chr8:143,920,494, G>A on the plus strand (C>T on the coding strand, the complement: PLEC is on the minus strand). VCF-style: chr8-143920494-G-A. GRCh37 (hg19) VCF-style: chr8-144994662-G-A.
Other names: c.9327C>T, p.Tyr3109= (NM_201382.4); c.9339C>T, p.Tyr3113= (NM_201383.3); c.9408C>T, p.Tyr3136= (NM_000445.5); c.6027C>T, p.Tyr2009= (NM_001410941.1); c.9285C>T, p.Tyr3095= (NM_201378.4); c.9261C>T, p.Tyr3087= (NM_201379.3); c.9738C>T, p.Tyr3246= (NM_201380.4); c.9231C>T, p.Tyr3077= (NM_201381.3).
Identifiers: ClinVar variation 2658944 (VCV002658944.24), dbSNP rs2537370953, ClinGen allele CA463531219.

ClinVar aggregate classification (germline): Likely benign (1 of 4 stars; one submission).

Allele frequency attached by ClinVar (database versions not stated): gnomAD exomes below 0.00001.
gnomAD v4.1: 1 of 1,609,620 alleles (0.000062%); highest among the groups gnomAD compares: Non-Finnish European, 0.000085%; no homozygotes.

Submission:

CeGaT Center for Human Genetics Tuebingen
Classification: Likely benign. Last evaluated: 2023-08-01. Review status: criteria provided, single submitter. Criteria: CeGaT Center For Human Genetics Tuebingen Variant Classification Criteria Version 2. Collection method: clinical testing. Allele origin: germline. Affected: yes. Observed: 1 variant allele.
Comment: PLEC: BP4, BP7